The following is an entry in ClinVar:

NC_000023.10:g.(?_47432333)_(47489243_?)dup

Genes: CFP (complement factor properdin; minus strand), SYN1 (synapsin I; minus strand), TIMP1 (TIMP metallopeptidase inhibitor 1; plus strand). Cytogenetic location: Xp11.23.
Variant type: Duplication.
Identifiers: ClinVar variation 3246563 (VCV003246563.1).

ClinVar aggregate classification (germline): Uncertain significance (1 of 4 stars; one submission).

Submission:

Labcorp Genetics (formerly Invitae), Labcorp
Classification: Uncertain significance. Last evaluated: 2023-11-06. Review status: criteria provided, single submitter. Criteria: Invitae Variant Classification Sherloc (09022015). Collection method: clinical testing. Allele origin: unknown.
Comment: A copy number gain of the genomic region encompassing the full coding sequence of the CFP gene has been identified. The boundaries of this event are unknown as they extend beyond the assayed region for this gene and therefore may encompass additional genes. As the precise location of this event is unknown, it may be in tandem or it may be located elsewhere in the genome. This variant has not been reported in the literature in individuals affected with CFP-related conditions. In summary, the available evidence is currently insufficient to determine the role of this variant in disease. Therefore, it has been classified as a Variant of Uncertain Significance.